The following is an entry in ClinVar:

NM_001048174.2(MUTYH):c.26G>C (p.Gly9Ala)

Gene: MUTYH (mutY DNA glycosylase; minus strand). Cytogenetic location: 1p34.1.
Variant type: single nucleotide variant.
Coding change: c.26G>C on transcript NM_001048174.2 (MANE Select); coding-DNA position 26, G replaced by C.
Protein change: p.Gly9Ala; replaces glycine 9 with alanine.
Molecular consequence: missense variant. On other transcripts: 5 prime UTR variant (7), non-coding transcript variant (7).
Genome position (GRCh38, 1-based): chr1:45,334,480, C>G on the plus strand (G>C on the coding strand, the complement: MUTYH is on the minus strand). VCF-style: chr1-45334480-C-G. GRCh37 (hg19) VCF-style: chr1-45800152-C-G.
Other names: c.26G>C, p.Gly9Ala (NM_001293191.2, NM_001048171.2, NM_001048172.2 and 15 more transcripts); c.68G>C, p.Gly23Ala (NM_001128425.2, NM_001293190.2, NM_012222.3 and 2 more transcripts); c.-187G>C (NM_001293192.2, NM_001407091.1, NM_001293196.2); c.-182G>C (NM_001407082.1, NM_001350651.2); c.44G>C, p.Gly15Ala (NM_001407087.1); c.-246G>C (NM_001350650.2); c.-131G>C (NM_001407075.1); short protein forms G9A, G15A, G23A.
Identifiers: ClinVar variation 4113795 (VCV004113795.1).

ClinVar aggregate classification (germline): Uncertain significance (1 of 4 stars; one submission).

Conditions:
Hereditary cancer-predisposing syndrome. Also called: Hereditary neoplastic syndrome; Neoplastic Syndromes, Hereditary; Tumor predisposition; Hereditary Cancer Syndrome. Identifiers: Orphanet 140162, MedGen C0027672, MeSH D009386, MONDO:0015356.

Submission:

Ambry Genetics
Classification: Uncertain significance for Hereditary cancer-predisposing syndrome. Last evaluated: 2025-08-27. Review status: criteria provided, single submitter. Criteria: Ambry Variant Classification Scheme 2023. Collection method: clinical testing. Allele origin: germline.
Comment: The p.G23A variant (also known as c.68G>C), located in coding exon 2 of the MUTYH gene, results from a G to C substitution at nucleotide position 68. The glycine at codon 23 is replaced by alanine, an amino acid with similar properties. This amino acid position is conserved. In addition, this alteration is predicted to be tolerated by in silico analysis. Based on the available evidence, the clinical significance of this variant remains unclear.